The following is an entry in ClinVar:

NM_006642.5(SDCCAG8):c.1134A>T (p.Glu378Asp)

Gene: SDCCAG8 (SHH signaling and ciliogenesis regulator SDCCAG8; plus strand). Cytogenetic location: 1q43.
Variant type: single nucleotide variant.
Coding change: c.1134A>T on transcript NM_006642.5 (MANE Select); coding-DNA position 1134, A replaced by T.
Protein change: p.Glu378Asp; replaces glutamic acid 378 with aspartic acid.
Molecular consequence: missense variant.
Genome position (GRCh38, 1-based): chr1:243,330,605, A>T. VCF-style: chr1-243330605-A-T. GRCh37 (hg19) VCF-style: chr1-243493907-A-T.
Other names: c.231A>T, p.Glu77Asp (NM_001350246.2, NM_001350247.2, NM_001350251.2); c.1230A>T, p.Glu410Asp (NM_001350248.2); c.840A>T, p.Glu280Asp (NM_001350249.2); short protein forms E378D, E280D, E77D, E410D.
Identifiers: ClinVar variation 260006 (VCV000260006.28), dbSNP rs2275155, ClinGen allele CA1483567.
Genomic context (GRCh38, chr1:243,330,605, plus strand): 5'-AATCCAGTGTGACCAGTTGAGGAAGGAGCTGGAGAGGCAGGCGGAGCGACTTGAAAAAGA[A>T]CTTGCATCTCAGCAAGAGAAAAGGGCCATTGAGAAAGACATGATGAAAAAGGAAATAACG-3'
Protein context (NP_006633.1, residues 368-388): LERQAERLEK[Glu378Asp]LASQQEKRAI

ClinVar aggregate classification (germline): Benign/Likely benign. Review status: criteria provided, multiple submitters, no conflicts (2 of 4 stars). 14 submissions from 12 submitters: Benign (11); Likely benign (1). 2 of the submissions do not count toward it. Last evaluated 2026-05-18.

Conditions:
Bardet-Biedl syndrome 16 (BBS16). Identifiers: Orphanet 110, MedGen C3889474, MONDO:0014444, OMIM 615993.
Senior-Loken syndrome 7 (SLSN7). Identifiers: Orphanet 3156, MedGen C3150877, MONDO:0013326, OMIM 613615.

Allele frequency attached by ClinVar (database versions not stated): gnomAD 0.25552 and 0.26185; ESP Exome Variant Server 0.26818; 1000 Genomes Project 0.27137; 1000 Genomes Project 30x 0.27342; gnomAD exomes 0.29409 and 0.30422; ExAC 0.29756; TOPMed 0.25222.
gnomAD v4.1: 484,247 of 1,613,592 alleles (30%); highest among the groups gnomAD compares: South Asian, 45%; 75,398 homozygotes.

Submissions (14):

Women's Health and Genetics/Laboratory Corporation of America, LabCorp
Classification: Likely benign. Last evaluated: 2026-05-18. Review status: criteria provided, single submitter. Criteria: LabCorp Variant Classification Summary - May 2015. Collection method: clinical testing. Allele origin: germline.

Labcorp Genetics (formerly Invitae), Labcorp
Classification: Benign for Bardet-Biedl syndrome 16; Senior-Loken syndrome 7. Last evaluated: 2026-02-04. Review status: criteria provided, single submitter. Criteria: Invitae Variant Classification Sherloc (09022015). Collection method: clinical testing. Allele origin: germline.

Blueprint Genetics
Classification: Benign. Last evaluated: 2024-11-26. Review status: criteria provided, single submitter. Criteria: ACMG Guidelines, 2015. Collection method: clinical testing. Allele origin: germline.

Mayo Clinic Laboratories, Mayo Clinic
Classification: Benign. Last evaluated: 2022-03-09. Review status: criteria provided, single submitter. Criteria: ACMG Guidelines, 2015. Collection method: clinical testing. Allele origin: germline. Observed: 87 variant alleles.

Genome-Nilou Lab
Classification: Benign for Bardet-Biedl syndrome 16. Last evaluated: 2021-07-15. Review status: criteria provided, single submitter. Criteria: ACMG Guidelines, 2015. Collection method: clinical testing. Allele origin: germline. Affected: no.

Genome-Nilou Lab
Classification: Benign for Senior-Loken syndrome 7. Last evaluated: 2021-07-15. Review status: criteria provided, single submitter. Criteria: ACMG Guidelines, 2015. Collection method: clinical testing. Allele origin: germline. Affected: no.

GeneDx
Classification: Benign. Last evaluated: 2021-05-04. Review status: criteria provided, single submitter. Criteria: GeneDx Variant Classification Process June 2021. Collection method: clinical testing. Allele origin: germline. Affected: yes.

Illumina Laboratory Services, Illumina
Classification: Benign for Senior-Loken syndrome 7. Last evaluated: 2018-01-12. Review status: criteria provided, single submitter. Criteria: ICSL Variant Classification Criteria 13 December 2019. Collection method: clinical testing. Allele origin: germline.
Comment: This variant was observed in the ICSL laboratory as part of a predisposition screen in an ostensibly healthy population. It had not been previously curated by ICSL or reported in the Human Gene Mutation Database (HGMD: prior to June 1st, 2018), and was therefore a candidate for classification through an automated scoring system. Utilizing variant allele frequency, disease prevalence and penetrance estimates, and inheritance mode, an automated score was calculated to assess if this variant is too frequent to cause the disease. Based on the score and internal cut-off values, a variant classified as benign is not then subjected to further curation. The score for this variant resulted in a classification of benign for this disease.

Illumina Laboratory Services, Illumina
Classification: Benign for Bardet-Biedl syndrome 16. Last evaluated: 2018-01-12. Review status: criteria provided, single submitter. Criteria: ICSL Variant Classification Criteria 13 December 2019. Collection method: clinical testing. Allele origin: germline.
Comment: the same text as in the submission from Illumina Laboratory Services, Illumina above.

Eurofins Ntd Llc (ga)
Classification: Benign. Last evaluated: 2016-05-26. Review status: criteria provided, single submitter. Criteria: EGL Classification Definitions 2015. Collection method: clinical testing. Allele origin: germline. Observed: 1 variant allele, 1 homozygote.

Breakthrough Genomics
Classification: Benign. Review status: criteria provided, single submitter. Criteria: ACMG Guidelines, 2015. Collection method: not provided. Allele origin: germline. Inheritance: Autosomal recessive inheritance. Affected: yes.

PreventionGenetics, part of Exact Sciences
Classification: Benign. Review status: criteria provided, single submitter. Criteria: ACMG Guidelines, 2015. Collection method: clinical testing. Allele origin: germline.

Clinical Genetics DNA and cytogenetics Diagnostics Lab, Erasmus MC, Erasmus Medical Center
Classification: Benign. Review status: no assertion criteria provided. Collection method: clinical testing. Allele origin: germline. Affected: yes. Study: VKGL Data-share Consensus. Not counted in ClinVar's aggregate classification.

Diagnostic Laboratory, Department of Genetics, University Medical Center Groningen
Classification: Benign for Senior-Loken syndrome 7. Review status: no assertion criteria provided. Collection method: clinical testing. Allele origin: germline. Affected: yes. Study: VKGL Data-share Consensus. Not counted in ClinVar's aggregate classification.